The following is an entry in ClinVar:

NM_001369.3(DNAH5):c.12634_12635delinsCTGTCTCTTATACAC (p.Phe4212fs)

Gene: DNAH5 (dynein axonemal heavy chain 5; minus strand). Cytogenetic location: 5p15.2.
Variant type: Indel.
Coding change: c.12634_12635delinsCTGTCTCTTATACAC on transcript NM_001369.3 (MANE Select); coding-DNA positions 12634 to 12635, TT replaced by CTGTCTCTTATACAC.
Protein change: p.Phe4212fs; shifts the reading frame from phenylalanine 4212.
Molecular consequence: frameshift variant.
Genome position (GRCh38, 1-based): chr5:13,717,385-13,717,386, AA replaced by GTGTATAAGAGACAG on the plus strand (TT replaced by CTGTCTCTTATACAC on the coding strand, the reverse complement: DNAH5 is on the minus strand). VCF-style: chr5-13717385-AA-GTGTATAAGAGACAG. GRCh37 (hg19) VCF-style: chr5-13717494-AA-GTGTATAAGAGACAG.
Other names: short protein forms F4212fs.
Identifiers: ClinVar variation 5011014 (VCV005011014.1).

ClinVar aggregate classification (germline): Pathogenic (1 of 4 stars; one submission).

Conditions:
Primary ciliary dyskinesia 3. Identifiers: Orphanet 244, MedGen C1837618, MONDO:0012085, OMIM 608644.

Submission:

Myriad Genetics, Inc.
Classification: Pathogenic for Primary ciliary dyskinesia 3. Last evaluated: 2024-05-14. Review status: criteria provided, single submitter. Criteria: Myriad Autosomal Dominant, Autosomal Recessive and X-Linked Classification Criteria (2023). Collection method: clinical testing. Allele origin: unknown.
Comment: NM_001369.2(DNAH5):c.12634_12635del2ins15(F4212Lfs*6) is expected to be pathogenic in the context of primary ciliary dyskinesia, DNAH5-related. This variant is predicted to lead to an abnormal or absent protein product due to the creation of a premature termination codon in DNAH5, a gene where loss-of-function variants are known to be pathogenic. Please note: this variant was assessed in the context of healthy population screening.